The following is an entry in ClinVar:

NM_002878.4(RAD51D):c.263+1612del

Genes: RAD51D (RAD51 paralog D; minus strand), RAD51L3-RFFL (RAD51L3-RFFL readthrough; minus strand). Cytogenetic location: 17q12.
Variant type: Deletion.
Coding change: c.263+1612del on transcript NM_002878.4 (MANE Select); 1612 bases into the intron after coding-DNA position 263, one base deleted (A; older notation c.263+1612delA).
Molecular consequence: intron variant. On other transcripts: frameshift variant (1).
Genome position (GRCh38, 1-based): chr17:35,116,889, T deleted on the plus strand (A on the coding strand, the reverse complement: RAD51D is on the minus strand). VCF-style (leftmost placement, unchanged base first): chr17-35116888-AT-A. GRCh37 (hg19) VCF-style: chr17-33443907-AT-A.
Other names: c.263+1612delA (NM_002878.3); c.293del, p.Asp98fs (NM_001142571.2); c.144+2222del (NM_133629.3); short protein forms D98fs.
Identifiers: ClinVar variation 548740 (VCV000548740.14), dbSNP rs750282687, ClinGen allele CA8499571.

ClinVar aggregate classification (germline): Conflicting classifications of pathogenicity. Review status: criteria provided, conflicting classifications (1 of 4 stars). 5 submissions from 5 submitters: Likely pathogenic (1); Uncertain significance (1); Likely benign (2). 1 of the submissions does not count toward it. Last evaluated 2026-08-14.

Conditions:
RAD51D-related disorder. Also called: RAD51D-related condition.
Hereditary cancer-predisposing syndrome. Also called: Tumor predisposition; Hereditary neoplastic syndrome; Neoplastic Syndromes, Hereditary; Hereditary Cancer Syndrome. Identifiers: Orphanet 140162, MedGen C0027672, MeSH D009386, MONDO:0015356.
Breast-ovarian cancer, familial, susceptibility to, 4. Identifiers: Orphanet 145, MedGen C3280345, MONDO:0013669, OMIM 614291.

Allele frequency attached by ClinVar (database versions not stated): gnomAD 0.00002 and 0.00003; gnomAD exomes 0.00002; TOPMed 0.00007; ExAC 0.00009.

Submissions (5):

PreventionGenetics, part of Exact Sciences
Classification: Uncertain significance for RAD51D-related condition. Last evaluated: 2026-08-14. Review status: criteria provided, single submitter. Criteria: ACMG Guidelines, 2015. Collection method: clinical testing. Allele origin: germline.
Comment: The RAD51D c.293delA variant is predicted to result in a frameshift and premature protein termination (p.Asp98Valfs*25). This variant corresponds to a deep intronic position in the primary transcript for this gene (NM_002878:c.263+1612delA). This variant has been reported in individuals with medulloblastoma (Table S2, ID: SJMB217, Waszak et al. 2018. PubMed ID: 29753700; Zwaig et al. 2023. PubMed ID: 37576901) and in two males with breast cancer (Rizzolo et al. 2019. PubMed ID: 30613976). This variant is reported in 0.011% of alleles in individuals of South Asian descent in gnomAD, and has conflicting classifications in the ClinVar database ranging from likely benign to likely pathogenic (Variation ID: 548740). At this time, the clinical significance of this variant is uncertain due to the absence of conclusive functional and genetic evidence.

Blueprint Genetics
Classification: Likely benign. Last evaluated: 2023-08-04. Review status: criteria provided, single submitter. Criteria: ACMG Guidelines, 2015. Collection method: clinical testing. Allele origin: germline.

Labcorp Genetics (formerly Invitae), Labcorp
Classification: Likely benign for Breast-ovarian cancer, familial, susceptibility to, 4. Last evaluated: 2023-01-14. Review status: criteria provided, single submitter. Criteria: Invitae Variant Classification Sherloc (09022015). Collection method: clinical testing. Allele origin: germline.

Sema4
Classification: Likely pathogenic for Hereditary cancer-predisposing syndrome. Last evaluated: 2021-09-16. Review status: criteria provided, single submitter. Criteria: Sema4 Curation Guidelines. Collection method: curation. Allele origin: germline.
Comment: The PMS2 c.293delA (p.D98VfsX25) variant has been reported in heterozygosity in at least 3 individuals with breast cancer or medulloblastoma (PMID: 30613976, 29753700). It is also known as c.263+1612del in an alternate transcript (NM_002878.3). This variant causes a frameshift at amino acid 98 that results in premature termination 25 amino acids downstream. This variant was observed in 3/26326 chromosomes in the South Asian population according to the Genome Aggregation Database (PMID: 32461654) and has been reported in ClinVar (Variation ID: 548740). Based on the current evidence available, this variant is interpreted as likely pathogenic.

Counsyl
Classification: Likely benign for Breast-ovarian cancer, familial, susceptibility to, 4. Last evaluated: 2017-04-25. Review status: no assertion criteria provided. Collection method: clinical testing. Allele origin: unknown. Not counted in ClinVar's aggregate classification.

Literature cited by the submitters: PubMed 30613976 (cited by Sema4); PubMed 29753700 (cited by Sema4).